The following is an entry in ClinVar:

NM_001038603.3(MARVELD2):c.359C>T (p.Ser120Phe)

Gene: MARVELD2 (MARVEL domain containing 2; plus strand). Cytogenetic location: 5q13.2.
Variant type: single nucleotide variant.
Coding change: c.359C>T on transcript NM_001038603.3 (MANE Select); coding-DNA position 359, C replaced by T.
Protein change: p.Ser120Phe; replaces serine 120 with phenylalanine.
Molecular consequence: missense variant.
Genome position (GRCh38, 1-based): chr5:69,419,744, C>T. VCF-style: chr5-69419744-C-T. GRCh37 (hg19) VCF-style: chr5-68715571-C-T.
Other names: c.359C>T, p.Ser120Phe (NM_001244734.2); short protein forms S120F.
Identifiers: ClinVar variation 4104188 (VCV004104188.2).

ClinVar aggregate classification (germline): Uncertain significance. Review status: criteria provided, multiple submitters, no conflicts (2 of 4 stars). 2 submissions from 2 submitters: Uncertain significance (2). Last evaluated 2025-08-27.

Conditions:
Inborn genetic diseases. Identifiers: MedGen C0950123, MeSH D030342.

gnomAD v4.1: 17 of 1,614,148 alleles (0.0011%); highest among the groups gnomAD compares: Non-Finnish European, 0.0014%; no homozygotes.

Submissions (2):

Ambry Genetics
Classification: Uncertain significance for Inborn genetic diseases. Last evaluated: 2025-08-27. Review status: criteria provided, single submitter. Criteria: Ambry Variant Classification Scheme 2023. Collection method: clinical testing. Allele origin: germline.

GeneDx
Classification: Uncertain significance. Last evaluated: 2025-04-16. Review status: criteria provided, single submitter. Criteria: GeneDx Variant Classification Process June 2021. Collection method: clinical testing. Allele origin: germline. Affected: yes.
Comment: Not observed at significant frequency in large population cohorts (gnomAD); In silico analysis supports that this missense variant has a deleterious effect on protein structure/function; Has not been previously published as pathogenic or benign to our knowledge